The following is an entry in ClinVar:

ClinVar aggregate classification (germline): Conflicting classifications of pathogenicity. Review status: criteria provided, conflicting classifications (1 of 4 stars). 6 submissions from 5 submitters: Uncertain significance (4); Benign (1); Likely benign (1). Last evaluated 2026-01-28.

Conditions:
LAMA3-related disorder. Also called: LAMA3-related condition; LAMA3-related disorders.
Laryngo-onycho-cutaneous syndrome (JEB2C). Also called: LOGIC SYNDROME; EPIDERMOLYSIS BULLOSA, JUNCTIONAL 2C, LARYNGOONYCHOCUTANEOUS; SHABBIR SYNDROME. Identifiers: Orphanet 2407, MedGen C1328355, MONDO:0009513, OMIM 245660.
Inborn genetic diseases. Identifiers: MedGen C0950123, MeSH D030342.
Junctional epidermolysis bullosa gravis of Herlitz. Also called: JEB-HERLITZ TYPE; EPIDERMOLYSIS BULLOSA JUNCTIONALIS, HERLITZ TYPE; EPIDERMOLYSIS BULLOSA, JUNCTIONAL, HERLITZ-PEARSON TYPE; Epidermolysis Bullosa Letalis; EPIDERMOLYSIS BULLOSA, JUNCTIONAL 1B, SEVERE; Herlitz-type junctional epidermolysis bullosa. Identifiers: Orphanet 79404, MedGen C0079683, MONDO:0009182, OMIM 226700.

Allele frequency attached by ClinVar (database versions not stated): gnomAD exomes 0.00024 and 0.00043; gnomAD 0.00029; ExAC 0.00030; ESP Exome Variant Server 0.00031; TOPMed 0.00032.
gnomAD v4.1: 422 of 1,613,650 alleles (0.026%); highest among the groups gnomAD compares: Admixed American, 0.023%; 2 homozygotes.

Submissions (6):

Labcorp Genetics (formerly Invitae), Labcorp
Classification: Benign. Last evaluated: 2026-01-28. Review status: criteria provided, single submitter. Criteria: Invitae Variant Classification Sherloc (09022015). Collection method: clinical testing. Allele origin: germline.

PreventionGenetics, part of Exact Sciences
Classification: Likely benign for LAMA3-related condition. Last evaluated: 2025-05-11. Review status: criteria provided, single submitter. Criteria: ACMG Guidelines, 2015. Collection method: clinical testing. Allele origin: germline.
Comment: This variant is classified as likely benign based on ACMG/AMP sequence variant interpretation guidelines (Richards et al. 2015 PMID: 25741868, with internal and published modifications).

Ambry Genetics
Classification: Uncertain significance for Inborn genetic diseases. Last evaluated: 2021-07-16. Review status: criteria provided, single submitter. Criteria: Ambry Variant Classification Scheme 2023. Collection method: clinical testing. Allele origin: germline.

Illumina Laboratory Services, Illumina
Classification: Uncertain significance for Laryngo-onycho-cutaneous syndrome. Last evaluated: 2018-01-13. Review status: criteria provided, single submitter. Criteria: ICSL Variant Classification Criteria 13 December 2019. Collection method: clinical testing. Allele origin: germline.

Illumina Laboratory Services, Illumina
Classification: Uncertain significance for Junctional epidermolysis bullosa gravis of Herlitz. Last evaluated: 2018-01-13. Review status: criteria provided, single submitter. Criteria: ICSL Variant Classification Criteria 13 December 2019. Collection method: clinical testing. Allele origin: germline.

Eurofins Ntd Llc (ga)
Classification: Uncertain significance. Last evaluated: 2015-12-07. Review status: criteria provided, single submitter. Criteria: EGL Classification Definitions 2015. Collection method: clinical testing. Allele origin: germline. Observed: 1 variant allele, 1 heterozygote.

NM_198129.4(LAMA3):c.7505A>G (p.Asn2502Ser)

Gene: LAMA3 (laminin subunit alpha 3; plus strand). Cytogenetic location: 18q11.2.
Variant type: single nucleotide variant.
Coding change: c.7505A>G on transcript NM_198129.4 (MANE Select); coding-DNA position 7505, A replaced by G.
Protein change: p.Asn2502Ser; replaces asparagine 2502 with serine.
Molecular consequence: missense variant.
Genome position (GRCh38, 1-based): chr18:23,914,721, A>G. VCF-style: chr18-23914721-A-G. GRCh37 (hg19) VCF-style: chr18-21494685-A-G.
Other names: c.2678A>G, p.Asn893Ser (NM_000227.6); c.7337A>G, p.Asn2446Ser (NM_001127717.4); c.2510A>G, p.Asn837Ser (NM_001127718.4); c.2678A>G (NM_000227.4); short protein forms N2502S, N893S, N2446S, N837S.
Identifiers: ClinVar variation 285244 (VCV000285244.18), dbSNP rs139823161, ClinGen allele CA8916671.